The following is an entry in ClinVar:

NM_001378969.1(KCND3):c.348C>A (p.Asp116Glu)

Gene: KCND3 (potassium voltage-gated channel subfamily D member 3; minus strand). Cytogenetic location: 1p13.2.
Variant type: single nucleotide variant.
Coding change: c.348C>A on transcript NM_001378969.1 (MANE Select); coding-DNA position 348, C replaced by A.
Protein change: p.Asp116Glu; replaces aspartic acid 116 with glutamic acid.
Molecular consequence: missense variant.
Genome position (GRCh38, 1-based): chr1:111,982,379, G>T on the plus strand (C>A on the coding strand, the complement: KCND3 is on the minus strand). VCF-style: chr1-111982379-G-T. GRCh37 (hg19) VCF-style: chr1-112525001-G-T.
Other names: c.348C>A, p.Asp116Glu (NM_001378970.1, NM_004980.5, NM_172198.3); short protein forms D116E.
Identifiers: ClinVar variation 3287543 (VCV003287543.1).

ClinVar aggregate classification (germline): Uncertain significance (1 of 4 stars; one submission).

Conditions:
Cardiovascular phenotype. Identifiers: MedGen CN230736.

Submission:

Ambry Genetics
Classification: Uncertain significance for Cardiovascular phenotype. Last evaluated: 2024-05-17. Review status: criteria provided, single submitter. Criteria: Ambry Variant Classification Scheme 2023. Collection method: clinical testing. Allele origin: germline.
Comment: The p.D116E variant (also known as c.348C>A), located in coding exon 1 of the KCND3 gene, results from a C to A substitution at nucleotide position 348. The aspartic acid at codon 116 is replaced by glutamic acid, an amino acid with highly similar properties. This amino acid position is conserved. In addition, this alteration is predicted to be tolerated by in silico analysis. Based on the available evidence, the clinical significance of this variant remains unclear.